The following is an entry in ClinVar:

NM_144643.4(SCLT1):c.1877A>G (p.Gln626Arg)

Gene: SCLT1 (sodium channel and clathrin linker 1; minus strand). Cytogenetic location: 4q28.2.
Variant type: single nucleotide variant.
Coding change: c.1877A>G on transcript NM_144643.4 (MANE Select); coding-DNA position 1877, A replaced by G.
Protein change: p.Gln626Arg; replaces glutamine 626 with arginine.
Molecular consequence: missense variant.
Genome position (GRCh38, 1-based): chr4:128,891,090, T>C on the plus strand (A>G on the coding strand, the complement: SCLT1 is on the minus strand). VCF-style: chr4-128891090-T-C. GRCh37 (hg19) VCF-style: chr4-129812245-T-C.
Other names: short protein forms Q626R.
Identifiers: ClinVar variation 4726252 (VCV004726252.1).

ClinVar aggregate classification (germline): Uncertain significance (1 of 4 stars; one submission).

Submission:

Labcorp Genetics (formerly Invitae), Labcorp
Classification: Uncertain significance. Last evaluated: 2025-09-24. Review status: criteria provided, single submitter. Criteria: Invitae Variant Classification Sherloc (09022015). Collection method: clinical testing. Allele origin: germline.
Comment: This sequence change replaces glutamine, which is neutral and polar, with arginine, which is basic and polar, at codon 626 of the SCLT1 protein (p.Gln626Arg). This variant is not present in population databases (gnomAD no frequency). This variant has not been reported in the literature in individuals affected with SCLT1-related conditions. An algorithm developed to predict the effect of missense changes on protein structure and function (PolyPhen-2) suggests that this variant is likely to be tolerated. In summary, the available evidence is currently insufficient to determine the role of this variant in disease. Therefore, it has been classified as a Variant of Uncertain Significance.